The following is an entry in ClinVar:

ClinVar aggregate classification (germline): Benign/Likely benign. Review status: criteria provided, multiple submitters, no conflicts (2 of 4 stars). 12 submissions from 12 submitters: Benign (9); Likely benign (2). 1 of the submissions does not count toward it. Last evaluated 2026-02-04.

Conditions:
Xanthinuria type II. Also called: Xanthine dehydrogenase and aldehyde oxidase combined deficiency of; XDH and AOX dual deficiency. Identifiers: Orphanet 3467, Orphanet 93602, MedGen C1863688, MONDO:0011346, OMIM 603592.
Hereditary xanthinuria type 1 (XAN1). Identifiers: Orphanet 3467, Orphanet 93601, MedGen C0268118, MONDO:0010209, OMIM 278300.

Allele frequency attached by ClinVar (database versions not stated): ESP Exome Variant Server 0.75173; gnomAD 0.75380 and 0.75672; TOPMed 0.75632; gnomAD exomes 0.76908 and 0.77639; 1000 Genomes Project 30x 0.77436; 1000 Genomes Project 0.77736; ExAC 0.77846.
gnomAD v4.1: 1,239,095 of 1,613,232 alleles (77%); highest among the groups gnomAD compares: East Asian, 86%; 476,581 homozygotes.

Submissions (12):

Labcorp Genetics (formerly Invitae), Labcorp
Classification: Benign for Xanthinuria type II. Last evaluated: 2026-02-04. Review status: criteria provided, single submitter. Criteria: Invitae Variant Classification Sherloc (09022015). Collection method: clinical testing. Allele origin: germline.

Blueprint Genetics
Classification: Benign. Last evaluated: 2024-11-26. Review status: criteria provided, single submitter. Criteria: ACMG Guidelines, 2015. Collection method: clinical testing. Allele origin: germline.

Genome-Nilou Lab
Classification: Benign for Hereditary xanthinuria type 1. Last evaluated: 2021-12-05. Review status: criteria provided, single submitter. Criteria: ACMG Guidelines, 2015. Collection method: clinical testing. Allele origin: germline. Affected: no.

Fulgent Genetics
Classification: Likely benign for Hereditary xanthinuria type 1. Last evaluated: 2021-09-27. Review status: criteria provided, single submitter. Criteria: ACMG Guidelines, 2015. Collection method: clinical testing. Allele origin: unknown.

Mendelics
Classification: Benign for Xanthinuria type II. Last evaluated: 2019-05-28. Review status: criteria provided, single submitter. Criteria: Mendelics Assertion Criteria 2017. Collection method: clinical testing. Allele origin: unknown.

GeneDx
Classification: Benign. Last evaluated: 2018-11-13. Review status: criteria provided, single submitter. Criteria: GeneDx Variant Classification Process June 2021. Collection method: clinical testing. Allele origin: germline. Affected: yes.

Illumina Laboratory Services, Illumina
Classification: Benign for Hereditary xanthinuria type 1. Last evaluated: 2018-01-13. Review status: criteria provided, single submitter. Criteria: ICSL Variant Classification Criteria 13 December 2019. Collection method: clinical testing. Allele origin: germline.
Comment: This variant was observed in the ICSL laboratory as part of a predisposition screen in an ostensibly healthy population. It had not been previously curated by ICSL or reported in the Human Gene Mutation Database (HGMD: prior to June 1st, 2018), and was therefore a candidate for classification through an automated scoring system. Utilizing variant allele frequency, disease prevalence and penetrance estimates, and inheritance mode, an automated score was calculated to assess if this variant is too frequent to cause the disease. Based on the score and internal cut-off values, a variant classified as benign is not then subjected to further curation. The score for this variant resulted in a classification of benign for this disease.

Genome Diagnostics Laboratory, University Medical Center Utrecht
Classification: Benign for Hereditary xanthinuria type 1. Last evaluated: 2017-01-31. Review status: criteria provided, single submitter. Criteria: ACGS Guidelines, 2013. Collection method: clinical testing. Allele origin: germline. Affected: yes. Study: VKGL Data-share Consensus.

Genomic Medicine Center of Excellence, King Faisal Specialist Hospital and Research Centre
Classification: Likely benign. Last evaluated: 2016-09-28. Review status: criteria provided, single submitter. Criteria: ACMG Guidelines, 2015. Collection method: research. Allele origin: germline. Affected: yes.

Breakthrough Genomics
Classification: Benign. Review status: criteria provided, single submitter. Criteria: ACMG Guidelines, 2015. Collection method: not provided. Allele origin: germline. Inheritance: Autosomal recessive inheritance. Affected: yes.

PreventionGenetics, part of Exact Sciences
Classification: Benign. Review status: criteria provided, single submitter. Criteria: ACMG Guidelines, 2015. Collection method: clinical testing. Allele origin: germline.

Diagnostic Laboratory, Department of Genetics, University Medical Center Groningen
Classification: Benign for Hereditary xanthinuria type 1. Review status: no assertion criteria provided. Collection method: clinical testing. Allele origin: germline. Affected: yes. Study: VKGL Data-share Consensus. Not counted in ClinVar's aggregate classification.

NM_000379.4(XDH):c.3276+12A>G

Gene: XDH (xanthine dehydrogenase; minus strand). Cytogenetic location: 2p23.1.
Variant type: single nucleotide variant.
Coding change: c.3276+12A>G on transcript NM_000379.4 (MANE Select); 12 bases into the intron after coding-DNA position 3276, A replaced by G.
Molecular consequence: intron variant.
Genome position (GRCh38, 1-based): chr2:31,347,510, T>C on the plus strand (A>G on the coding strand, the complement: XDH is on the minus strand). VCF-style: chr2-31347510-T-C. GRCh37 (hg19) VCF-style: chr2-31570376-T-C.
Identifiers: ClinVar variation 191300 (VCV000191300.22), dbSNP rs1366813, ClinGen allele CA236412.